The following is an entry in ClinVar:

NM_020812.4(DOCK6):c.1586C>T (p.Thr529Ile)

Gene: DOCK6 (dedicator of cytokinesis 6; minus strand). Cytogenetic location: 19p13.2.
Variant type: single nucleotide variant.
Coding change: c.1586C>T on transcript NM_020812.4 (MANE Select); coding-DNA position 1586, C replaced by T.
Protein change: p.Thr529Ile; replaces threonine 529 with isoleucine.
Molecular consequence: missense variant.
Genome position (GRCh38, 1-based): chr19:11,242,102, G>A on the plus strand (C>T on the coding strand, the complement: DOCK6 is on the minus strand). VCF-style: chr19-11242102-G-A. GRCh37 (hg19) VCF-style: chr19-11352778-G-A.
Other names: c.1586C>T, p.Thr529Ile (NM_001367830.1); short protein forms T529I.
Identifiers: ClinVar variation 1313080 (VCV001313080.2), dbSNP rs2147848441, ClinGen allele CA404107382.

ClinVar aggregate classification (germline): Uncertain significance (1 of 4 stars; one submission).

Submission:

GeneDx
Classification: Uncertain significance. Last evaluated: 2020-01-21. Review status: criteria provided, single submitter. Criteria: GeneDx Variant Classification Process June 2021. Collection method: clinical testing. Allele origin: germline. Affected: yes.
Comment: Not observed in large population cohorts (Lek et al., 2016); In silico analysis, which includes protein predictors and evolutionary conservation, supports a deleterious effect; Has not been previously published as pathogenic or benign to our knowledge